The following is an entry in ClinVar:

ClinVar aggregate classification (germline): Uncertain significance. Review status: criteria provided, multiple submitters, no conflicts (2 of 4 stars). 2 submissions from 2 submitters: Uncertain significance (2). Last evaluated 2025-11-08.

Conditions:
SHORT syndrome. Also called: SHORT STATURE, HYPEREXTENSIBILITY, HERNIA, OCULAR DEPRESSION, RIEGER ANOMALY, AND TEETHING DELAY; LIPODYSTROPHY, PARTIAL, WITH RIEGER ANOMALY AND SHORT STATURE; PIK3R1-Related SHORT Syndrome. Identifiers: Orphanet 3163, MedGen C0878684, MONDO:0010026, OMIM 269880.
Immunodeficiency 36 with lymphoproliferation. Also called: Immunodeficiency 36; ACTIVATED PI3K-DELTA SYNDROME 2; Activated PI3K Delta Syndrome Type 2 (APDS2). Identifiers: Orphanet 397596, Orphanet 693681, MedGen C4014934, MONDO:0014453, OMIM 616005.
Agammaglobulinemia 7, autosomal recessive (AGM7). Also called: AGAMMAGLOBULINEMIA, AUTOSOMAL RECESSIVE, DUE TO PIK3R1 DEFECT. Identifiers: MedGen C3554689, MONDO:0014083, OMIM 615214.

Allele frequency attached by ClinVar (database versions not stated): gnomAD exomes below 0.00001.
gnomAD v4.1: 2 of 1,614,170 alleles (0.00012%); highest among the groups gnomAD compares: Non-Finnish European, 0.00017%; no homozygotes.

Submissions (2):

Labcorp Genetics (formerly Invitae), Labcorp
Classification: Uncertain significance for SHORT syndrome; Immunodeficiency 36 with lymphoproliferation; Agammaglobulinemia 7, autosomal recessive. Last evaluated: 2025-11-08. Review status: criteria provided, single submitter. Criteria: Invitae Variant Classification Sherloc (09022015). Collection method: clinical testing. Allele origin: germline.
Comment: This sequence change replaces aspartic acid, which is acidic and polar, with valine, which is neutral and non-polar, at codon 21 of the PIK3R1 protein (p.Asp21Val). This variant is not present in population databases (gnomAD no frequency). This variant has not been reported in the literature in individuals affected with PIK3R1-related conditions. ClinVar contains an entry for this variant (Variation ID: 1313345). An algorithm developed to predict the effect of missense changes on protein structure and function (PolyPhen-2) suggests that this variant is likely to be disruptive. In summary, the available evidence is currently insufficient to determine the role of this variant in disease. Therefore, it has been classified as a Variant of Uncertain Significance.

GeneDx
Classification: Uncertain significance. Last evaluated: 2020-10-20. Review status: criteria provided, single submitter. Criteria: GeneDx Variant Classification Process June 2021. Collection method: clinical testing. Allele origin: germline. Affected: yes.
Comment: Not observed in large population cohorts (Lek et al., 2016); In silico analysis supports that this missense variant has a deleterious effect on protein structure/function; Has not been previously published as pathogenic or benign to our knowledge

NM_181523.3(PIK3R1):c.62A>T (p.Asp21Val)

Gene: PIK3R1 (phosphoinositide-3-kinase regulatory subunit 1; plus strand). Cytogenetic location: 5q13.1.
Variant type: single nucleotide variant.
Coding change: c.62A>T on transcript NM_181523.3 (MANE Select); coding-DNA position 62, A replaced by T.
Protein change: p.Asp21Val; replaces aspartic acid 21 with valine.
Molecular consequence: missense variant.
Genome position (GRCh38, 1-based): chr5:68,226,737, A>T. VCF-style: chr5-68226737-A-T. GRCh37 (hg19) VCF-style: chr5-67522565-A-T.
Other names: short protein forms D21V.
Identifiers: ClinVar variation 1313345 (VCV001313345.3), dbSNP rs2111963818, ClinGen allele CA359979486.